The following is an entry in ClinVar:

NM_020461.4(TUBGCP6):c.1983+5G>A

Gene: TUBGCP6 (tubulin gamma complex component 6; minus strand). Cytogenetic location: 22q13.33.
Variant type: single nucleotide variant.
Coding change: c.1983+5G>A on transcript NM_020461.4 (MANE Select); 5 bases into the intron after coding-DNA position 1983, G replaced by A.
Molecular consequence: intron variant.
Genome position (GRCh38, 1-based): chr22:50,225,789, C>T on the plus strand (G>A on the coding strand, the complement: TUBGCP6 is on the minus strand). VCF-style: chr22-50225789-C-T. GRCh37 (hg19) VCF-style: chr22-50664218-C-T.
Identifiers: ClinVar variation 1525270 (VCV001525270.4), dbSNP rs1328420355, ClinGen allele CA640354067.

ClinVar aggregate classification (germline): Uncertain significance (1 of 4 stars; one submission).

Allele frequency attached by ClinVar (database versions not stated): gnomAD exomes below 0.00001; TOPMed below 0.00001.

Submission:

Labcorp Genetics (formerly Invitae), Labcorp
Classification: Uncertain significance. Last evaluated: 2022-03-10. Review status: criteria provided, single submitter. Criteria: Invitae Variant Classification Sherloc (09022015). Collection method: clinical testing. Allele origin: germline.
Comment: In summary, the available evidence is currently insufficient to determine the role of this variant in disease. Therefore, it has been classified as a Variant of Uncertain Significance. Variants that disrupt the consensus splice site are a relatively common cause of aberrant splicing (PMID: 17576681, 9536098). Algorithms developed to predict the effect of sequence changes on RNA splicing suggest that this variant may create or strengthen a splice site. This variant has not been reported in the literature in individuals affected with TUBGCP6-related conditions. This variant is present in population databases (no rsID available, gnomAD 0.0009%). This sequence change falls in intron 10 of the TUBGCP6 gene. It does not directly change the encoded amino acid sequence of the TUBGCP6 protein. It affects a nucleotide within the consensus splice site.

Literature cited by the submitters: PubMed 17576681; PubMed 9536098.